The following is an entry in ClinVar:

ClinVar aggregate classification (germline): Uncertain significance (1 of 4 stars; one submission).

gnomAD v4.1: 1 of 1,614,036 alleles (0.000062%); highest among the groups gnomAD compares: African/African-American, 0.0013%; no homozygotes.

Submission:

GeneDx
Classification: Uncertain significance. Last evaluated: 2025-02-07. Review status: criteria provided, single submitter. Criteria: GeneDx Variant Classification Process June 2021. Collection method: clinical testing. Allele origin: germline. Affected: yes.
Comment: Not observed at significant frequency in large population cohorts (gnomAD); In silico analysis supports that this missense variant has a deleterious effect on protein structure/function; Has not been previously published as pathogenic or benign to our knowledge

NM_001659.3(ARF3):c.332T>C (p.Leu111Pro)

Gene: ARF3 (ARF GTPase 3; minus strand). Cytogenetic location: 12q13.12.
Variant type: single nucleotide variant.
Coding change: c.332T>C on transcript NM_001659.3 (MANE Select); coding-DNA position 332, T replaced by C.
Protein change: p.Leu111Pro; replaces leucine 111 with proline.
Molecular consequence: missense variant.
Genome position (GRCh38, 1-based): chr12:48,939,707, A>G on the plus strand (T>C on the coding strand, the complement: ARF3 is on the minus strand). VCF-style: chr12-48939707-A-G. GRCh37 (hg19) VCF-style: chr12-49333490-A-G.
Other names: c.332T>C, p.Leu111Pro (NM_001412916.1, NM_001412918.1, NM_001412920.1 and 6 more transcripts); c.221T>C, p.Leu74Pro (NM_001412932.1); short protein forms L111P, L74P.
Identifiers: ClinVar variation 4074553 (VCV004074553.1).
Genomic context (GRCh38, chr12:48,939,707, plus strand): 5'-AGTCTCACCTGTTTGTTTGCAAAGACAAGGAGTACAGCATCCCGGAGCTCGTCCTCCGCC[A>G]GCATTCTCATCAGCTCTTCCCGGGCCTCATTTACTCGCTCCCGATCATTGCTGTCGACCA-3'
Protein context (NP_001650.1, residues 101-121): NEAREELMRM[Leu111Pro]AEDELRDAVL